The following is an entry in ClinVar:

ClinVar aggregate classification (germline): Uncertain significance. Review status: criteria provided, multiple submitters, no conflicts (2 of 4 stars). 2 submissions from 2 submitters: Uncertain significance (2). Last evaluated 2025-09-21.

Conditions:
Hereditary cancer-predisposing syndrome. Also called: Hereditary neoplastic syndrome; Tumor predisposition; Neoplastic Syndromes, Hereditary; Hereditary Cancer Syndrome. Identifiers: Orphanet 140162, MedGen C0027672, MeSH D009386, MONDO:0015356.
DICER1-related tumor predisposition. Also called: DICER1 syndrome; DICER1-related pleuropulmonary blastoma cancer predisposition syndrome. Identifiers: Orphanet 284343, MedGen C3839822, MONDO:0100216.

Submissions (2):

Labcorp Genetics (formerly Invitae), Labcorp
Classification: Uncertain significance for DICER1-related tumor predisposition. Last evaluated: 2025-09-21. Review status: criteria provided, single submitter. Criteria: Invitae Variant Classification Sherloc (09022015). Collection method: clinical testing. Allele origin: germline.
Comment: This sequence change replaces isoleucine, which is neutral and non-polar, with threonine, which is neutral and polar, at codon 286 of the DICER1 protein (p.Ile286Thr). This variant is not present in population databases (gnomAD no frequency). This variant has not been reported in the literature in individuals affected with DICER1-related conditions. ClinVar contains an entry for this variant (Variation ID: 2451697). Invitae Evidence Modeling of protein sequence and biophysical properties (such as structural, functional, and spatial information, amino acid conservation, physicochemical variation, residue mobility, and thermodynamic stability) indicates that this missense variant is not expected to disrupt DICER1 protein function with a negative predictive value of 95%. In summary, the available evidence is currently insufficient to determine the role of this variant in disease. Therefore, it has been classified as a Variant of Uncertain Significance.

Ambry Genetics
Classification: Uncertain significance for Hereditary cancer-predisposing syndrome. Last evaluated: 2025-05-28. Review status: criteria provided, single submitter. Criteria: Ambry Variant Classification Scheme 2023. Collection method: clinical testing. Allele origin: germline.
Comment: The p.I286T variant (also known as c.857T>C), located in coding exon 6 of the DICER1 gene, results from a T to C substitution at nucleotide position 857. The isoleucine at codon 286 is replaced by threonine, an amino acid with similar properties. This amino acid position is not well conserved in available vertebrate species. In addition, this alteration is predicted to be tolerated by in silico analysis. Based on the available evidence, the clinical significance of this variant remains unclear.

NM_177438.3(DICER1):c.857T>C (p.Ile286Thr)

Gene: DICER1 (dicer 1, ribonuclease III; minus strand). Cytogenetic location: 14q32.13.
Variant type: single nucleotide variant.
Coding change: c.857T>C on transcript NM_177438.3 (MANE Select); coding-DNA position 857, T replaced by C.
Protein change: p.Ile286Thr; replaces isoleucine 286 with threonine.
Molecular consequence: missense variant. On other transcripts: 5 prime UTR variant (1), non-coding transcript variant (6).
Genome position (GRCh38, 1-based): chr14:95,126,626, A>G on the plus strand (T>C on the coding strand, the complement: DICER1 is on the minus strand). VCF-style: chr14-95126626-A-G. GRCh37 (hg19) VCF-style: chr14-95592963-A-G.
Other names: c.857T>C, p.Ile286Thr (NM_001195573.1, NM_001271282.3, NM_001291628.2 and 15 more transcripts); c.575T>C, p.Ile192Thr (NM_001395686.1); c.452T>C, p.Ile151Thr (NM_001395687.1, NM_001395688.1, NM_001395689.1 and 3 more transcripts); c.290T>C, p.Ile97Thr (NM_001395691.1); c.-712T>C (NM_001395697.1); short protein forms I151T, I192T, I286T, I97T.
Identifiers: ClinVar variation 2451697 (VCV002451697.4), dbSNP rs2543228663, ClinGen allele CA390887517.
Genomic context (GRCh38, chr14:95,126,626, plus strand): 5'-TGGTATATGCTTACCTGTTTCGAAATTAAAGTAGAATCTCTTTCTTTTGAATGTACAGAT[A>G]TATTACAATCATTGATAAAATTAAGTGCTTCTTCTAATTCCATCAGCAGTCTTTCATAAA-3'
Protein context (NP_803187.1, residues 276-296): EALNFINDCN[Ile286Thr]SVHSKERDST